The following is an entry in ClinVar:

NM_002474.3(MYH11):c.73G>T (p.Val25Leu)

Gene: MYH11 (myosin heavy chain 11; minus strand). Cytogenetic location: 16p13.11.
Variant type: single nucleotide variant.
Coding change: c.73G>T on transcript NM_002474.3 (MANE Select); coding-DNA position 73, G replaced by T.
Protein change: p.Val25Leu; replaces valine 25 with leucine.
Molecular consequence: missense variant.
Genome position (GRCh38, 1-based): chr16:15,838,180, C>A on the plus strand (G>T on the coding strand, the complement: MYH11 is on the minus strand). VCF-style: chr16-15838180-C-A. GRCh37 (hg19) VCF-style: chr16-15932037-C-A.
Other names: c.73G>T, p.Val25Leu (NM_001040113.2, NM_001040114.2, NM_022844.3); short protein forms V25L.
Identifiers: ClinVar variation 4754183 (VCV004754183.1).

ClinVar aggregate classification (germline): Uncertain significance (1 of 4 stars; one submission).

Conditions:
Aortic aneurysm, familial thoracic 4 (AAT4). Also called: AORTIC ANEURYSM/AORTIC DISSECTION AND PATENT DUCTUS ARTERIOSUS. Identifiers: MedGen C1851504, MONDO:0007568, OMIM 132900.

Submission:

Labcorp Genetics (formerly Invitae), Labcorp
Classification: Uncertain significance for Aortic aneurysm, familial thoracic 4. Last evaluated: 2025-08-31. Review status: criteria provided, single submitter. Criteria: Invitae Variant Classification Sherloc (09022015). Collection method: clinical testing. Allele origin: germline.
Comment: This sequence change replaces valine, which is neutral and non-polar, with leucine, which is neutral and non-polar, at codon 25 of the MYH11 protein (p.Val25Leu). This variant is not present in population databases (gnomAD no frequency). This variant has not been reported in the literature in individuals affected with MYH11-related conditions. Invitae Evidence Modeling of protein sequence and biophysical properties (such as structural, functional, and spatial information, amino acid conservation, physicochemical variation, residue mobility, and thermodynamic stability) indicates that this missense variant is not expected to disrupt MYH11 protein function with a negative predictive value of 95%. In summary, the available evidence is currently insufficient to determine the role of this variant in disease. Therefore, it has been classified as a Variant of Uncertain Significance.